The following is an entry in ClinVar:

ClinVar aggregate classification (germline): Benign. Review status: criteria provided, multiple submitters, no conflicts (2 of 4 stars). 2 submissions from 2 submitters: Benign (2). Last evaluated 2018-01-13.

Conditions:
Hypercalcemia, infantile, 1 (HCINF1). Identifiers: Orphanet 300547, MedGen CN031131, MONDO:0020739, OMIM 143880.

Allele frequency attached by ClinVar (database versions not stated): 1000 Genomes Project 30x 0.21377; 1000 Genomes Project 0.21665; TOPMed 0.24137; gnomAD exomes 0.25000; gnomAD 0.27231.
gnomAD v4.1: 39,929 of 151,540 alleles (26%); highest among the groups gnomAD compares: South Asian, 33%; 5,759 homozygotes.

Submissions (2):

Illumina Laboratory Services, Illumina
Classification: Benign for Hypercalcemia, infantile, 1. Last evaluated: 2018-01-13. Review status: criteria provided, single submitter. Criteria: ICSL Variant Classification Criteria 13 December 2019. Collection method: clinical testing. Allele origin: germline.
Comment: This variant was observed in the ICSL laboratory as part of a predisposition screen in an ostensibly healthy population. It had not been previously curated by ICSL or reported in the Human Gene Mutation Database (HGMD: prior to June 1st, 2018), and was therefore a candidate for classification through an automated scoring system. Utilizing variant allele frequency, disease prevalence and penetrance estimates, and inheritance mode, an automated score was calculated to assess if this variant is too frequent to cause the disease. Based on the score and internal cut-off values, a variant classified as benign is not then subjected to further curation. The score for this variant resulted in a classification of benign for this disease.

Breakthrough Genomics
Classification: Benign. Review status: criteria provided, single submitter. Criteria: ACMG Guidelines, 2015. Collection method: not provided. Allele origin: germline. Inheritance: Autosomal recessive inheritance. Affected: yes.

NM_000782.5(CYP24A1):c.*715C>G

Gene: CYP24A1 (cytochrome P450 family 24 subfamily A member 1; minus strand). Cytogenetic location: 20q13.2.
Variant type: single nucleotide variant.
Coding change: c.*715C>G on transcript NM_000782.5 (MANE Select); 715 bases downstream of the stop codon, C replaced by G.
Molecular consequence: 3 prime UTR variant.
Genome position (GRCh38, 1-based): chr20:54,154,057, G>C on the plus strand (C>G on the coding strand, the complement: CYP24A1 is on the minus strand). VCF-style: chr20-54154057-G-C. GRCh37 (hg19) VCF-style: chr20-52770596-G-C.
Other names: c.*715C>G (NM_001128915.2).
Identifiers: ClinVar variation 338797 (VCV000338797.7), dbSNP rs6022987, ClinGen allele CA10644105.